The following is an entry in ClinVar:

NM_000338.3(SLC12A1):c.2161C>G (p.Arg721Gly)

Gene: SLC12A1 (solute carrier family 12 member 1; plus strand). Cytogenetic location: 15q21.1.
Variant type: single nucleotide variant.
Coding change: c.2161C>G on transcript NM_000338.3 (MANE Select); coding-DNA position 2161, C replaced by G.
Protein change: p.Arg721Gly; replaces arginine 721 with glycine.
Molecular consequence: missense variant.
Genome position (GRCh38, 1-based): chr15:48,267,567, C>G. VCF-style: chr15-48267567-C-G. GRCh37 (hg19) VCF-style: chr15-48559764-C-G.
Other names: c.2161C>G, p.Arg721Gly (NM_001184832.2, NM_001384136.1); c.2161C>G (NM_000338.2); short protein forms R721G.
Identifiers: ClinVar variation 1471343 (VCV001471343.4), dbSNP rs143401237, ClinGen allele CA269489924.

ClinVar aggregate classification (germline): Uncertain significance. Review status: criteria provided, multiple submitters, no conflicts (2 of 4 stars). 2 submissions from 2 submitters: Uncertain significance (2). Last evaluated 2022-01-05.

Conditions:
Inborn genetic diseases. Identifiers: MedGen C0950123, MeSH D030342.

gnomAD v4.1: 33 of 1,613,136 alleles (0.002%); highest among the groups gnomAD compares: Non-Finnish European, 0.0026%; no homozygotes.

Submissions (2):

Ambry Genetics
Classification: Uncertain significance for Inborn genetic diseases. Last evaluated: 2022-01-05. Review status: criteria provided, single submitter. Criteria: Ambry Variant Classification Scheme 2023. Collection method: clinical testing. Allele origin: germline.
Comment: The c.2161C>G (p.R721G) alteration is located in exon 18 (coding exon 17) of the SLC12A1 gene. This alteration results from a C to G substitution at nucleotide position 2161, causing the arginine (R) at amino acid position 721 to be replaced by a glycine (G). The in silico prediction for this alteration is inconclusive. Based on insufficient or conflicting evidence, the clinical significance of this alteration remains unclear.

Labcorp Genetics (formerly Invitae), Labcorp
Classification: Uncertain significance. Last evaluated: 2021-11-18. Review status: criteria provided, single submitter. Criteria: Invitae Variant Classification Sherloc (09022015). Collection method: clinical testing. Allele origin: germline.
Comment: This sequence change replaces arginine, which is basic and polar, with glycine, which is neutral and non-polar, at codon 721 of the SLC12A1 protein (p.Arg721Gly). This variant is present in population databases (no rsID available, gnomAD 0.0009%). This variant has not been reported in the literature in individuals affected with SLC12A1-related conditions. Algorithms developed to predict the effect of missense changes on protein structure and function (SIFT, PolyPhen-2, Align-GVGD) all suggest that this variant is likely to be tolerated. In summary, the available evidence is currently insufficient to determine the role of this variant in disease. Therefore, it has been classified as a Variant of Uncertain Significance.